The following is an entry in ClinVar:

NM_005138.3(SCO2):c.764G>A (p.Arg255Gln)

Genes: SCO2 (synthesis of cytochrome C oxidase 2; minus strand), NCAPH2 (non-SMC condensin II complex subunit H2; plus strand). Cytogenetic location: 22q13.33.
Variant type: single nucleotide variant.
Coding change: c.764G>A on transcript NM_005138.3 (MANE Select); coding-DNA position 764, G replaced by A.
Protein change: p.Arg255Gln; replaces arginine 255 with glutamine.
Molecular consequence: missense variant. On other transcripts: 3 prime UTR variant (2).
Genome position (GRCh38, 1-based): chr22:50,523,648, C>T on the plus strand (G>A on the coding strand, the complement: SCO2 is on the minus strand). VCF-style: chr22-50523648-C-T. GRCh37 (hg19) VCF-style: chr22-50962077-C-T.
Other names: c.*273C>T (NM_001185011.2, NM_152299.4); c.764G>A, p.Arg255Gln (NM_001169109.2, NM_001169110.1, NM_001169111.2); short protein forms R255Q.
Identifiers: ClinVar variation 215129 (VCV000215129.8), dbSNP rs368908383, ClinGen allele CA320444.

ClinVar aggregate classification (germline): Uncertain significance. Review status: criteria provided, multiple submitters, no conflicts (2 of 4 stars). 3 submissions from 3 submitters: Uncertain significance (3). Last evaluated 2024-09-13.

Conditions:
Cardioencephalomyopathy, fatal infantile, due to cytochrome c oxidase deficiency 1 (MC4DN2). Also called: CYTOCHROME c OXIDASE DEFICIENCY, FATAL INFANTILE, WITH CARDIOENCEPHALOMYOPATHY; MITOCHONDRIAL COMPLEX IV DEFICIENCY, NUCLEAR TYPE 2. Identifiers: Orphanet 1561, MedGen C5399977, MONDO:0011451, OMIM 604377.

Allele frequency attached by ClinVar (database versions not stated): gnomAD 0.00003; TOPMed 0.00009.

Submissions (3):

GeneDx
Classification: Uncertain significance. Last evaluated: 2024-09-13. Review status: criteria provided, single submitter. Criteria: GeneDx Variant Classification Process June 2021. Collection method: clinical testing. Allele origin: germline. Affected: yes.
Comment: In silico analysis indicates that this missense variant does not alter protein structure/function; Has not been previously published as pathogenic or benign to our knowledge; This variant is associated with the following publications: (PMID: 31844624)

Labcorp Genetics (formerly Invitae), Labcorp
Classification: Uncertain significance. Last evaluated: 2022-09-01. Review status: criteria provided, single submitter. Criteria: Invitae Variant Classification Sherloc (09022015). Collection method: clinical testing. Allele origin: germline.
Comment: This sequence change replaces arginine, which is basic and polar, with glutamine, which is neutral and polar, at codon 255 of the SCO2 protein (p.Arg255Gln). This variant is present in population databases (rs368908383, gnomAD 0.02%). This variant has not been reported in the literature in individuals affected with SCO2-related conditions. ClinVar contains an entry for this variant (Variation ID: 215129). Algorithms developed to predict the effect of missense changes on protein structure and function output the following: SIFT: "Tolerated"; PolyPhen-2: "Benign"; Align-GVGD: "Class C0". The glutamine amino acid residue is found in multiple mammalian species, which suggests that this missense change does not adversely affect protein function. In summary, the available evidence is currently insufficient to determine the role of this variant in disease. Therefore, it has been classified as a Variant of Uncertain Significance.

Clinical Genomics Laboratory, Stanford Medicine
Classification: Uncertain significance for Cardioencephalomyopathy, fatal infantile, due to cytochrome c oxidase deficiency 1. Last evaluated: 2022-06-06. Review status: criteria provided, single submitter. Criteria: ACMG Guidelines, 2015. Collection method: clinical testing. Allele origin: germline. Observed: 1 variant allele, 1 heterozygote.
Comment: The p.Arg255Gln variant in the SCO2 gene has not been previously reported in association with disease. This variant has been identified in 3/19,948 East Asian chromosomes (11/282,658 chromosomes overall) by the Genome Aggregation Database. This variant is present in ClinVar (Accession: VCV000215129.7). The arginine at position is 255 is poorly conserved and glutamine is observed at this position in several mammalian species. Computational tools predict that the p.Arg255Gln variant is neither deleterious nor benign; however, the accuracy of in silico algorithms is limited. These data were assessed using the ACMG/AMP variant interpretation guidelines. In summary, the significance of the p.Arg255Gln variant is uncertain. Additional information is needed to resolve the significance of this variant. [ACMG evidence codes used: None]